The following is an entry in ClinVar:

NM_020297.4(ABCC9):c.2019+3T>A

Gene: ABCC9 (ATP binding cassette subfamily C member 9; minus strand). Cytogenetic location: 12p12.1.
Variant type: single nucleotide variant.
Coding change: c.2019+3T>A on transcript NM_020297.4 (MANE Select); 3 bases into the intron after coding-DNA position 2019, T replaced by A.
Molecular consequence: intron variant.
Genome position (GRCh38, 1-based): chr12:21,882,763, A>T on the plus strand (T>A on the coding strand, the complement: ABCC9 is on the minus strand). VCF-style: chr12-21882763-A-T. GRCh37 (hg19) VCF-style: chr12-22035697-A-T.
Other names: c.1155+3T>A (NM_001377274.1); c.2019+3T>A (NM_005691.4, NM_001377273.1).
Identifiers: ClinVar variation 4860703 (VCV004860703.1).

ClinVar aggregate classification (germline): Uncertain significance (1 of 4 stars; one submission).

Conditions:
Cardiovascular phenotype. Identifiers: MedGen CN230736.

gnomAD v4.1: 2 of 1,600,260 alleles (0.00012%); highest among the groups gnomAD compares: Non-Finnish European, 0.00017%; no homozygotes.

Submission:

Ambry Genetics
Classification: Uncertain significance for Cardiovascular phenotype. Last evaluated: 2026-04-30. Review status: criteria provided, single submitter. Criteria: Ambry Variant Classification Scheme 2023. Collection method: clinical testing. Allele origin: germline.
Comment: The c.2019+3T>A intronic variant results from a T to A substitution 3 nucleotides after coding exon 14 in the ABCC9 gene. This nucleotide position is not well conserved in available vertebrate species. In silico splice site analysis predicts that this alteration will not have any significant effect on splicing. Based on the available evidence, the clinical significance of this variant remains unclear.